The following is an entry in ClinVar:

ClinVar aggregate classification (germline): Pathogenic. Review status: criteria provided, multiple submitters, no conflicts (2 of 4 stars). 5 submissions from 5 submitters: Pathogenic (2). 3 of the submissions do not count toward it. Last evaluated 2025-07-17.

Conditions:
Syndromic neurodevelopmental disorder.
Corpus callosum, agenesis of. Also called: Corpus callosum agenesis; Mental retardation hypoplastic corpus callosum preauricular tag; Da silva syndrome; Agenesis of the corpus callosum; Isolated corpus callosum agenesis. Identifiers: Orphanet 200, MedGen C0175754, MONDO:0009022, OMIM 217990, HP:0001274.
Axon pathfinding, cardiac, ocular and genital defects.
CDH2-related disorder. Also called: CDH2-related condition.
Agenesis of corpus callosum, cardiac, ocular, and genital syndrome. Identifiers: MedGen C5394523, MONDO:0030065, OMIM 618929.

Submissions (5):

Undiagnosed Diseases Network, NIH
Classification: Pathogenic for CDH2-related condition. Last evaluated: 2025-07-17. Review status: criteria provided, single submitter. Criteria: ACMG Guidelines, 2015. Collection method: clinical testing. Allele origin: de novo. Inheritance: Autosomal dominant inheritance. Affected: yes. Observed: 1 variant allele, 1 heterozygote.

GeneDx
Classification: Pathogenic. Last evaluated: 2024-09-19. Review status: criteria provided, single submitter. Criteria: GeneDx Variant Classification Process June 2021. Collection method: clinical testing. Allele origin: germline.
Comment: Published functional studies demonstrate a damaging effect on self- and trans-cell aggregation (PMID: 31585109); Not observed at significant frequency in large population cohorts (gnomAD); In silico analysis supports that this missense variant has a deleterious effect on protein structure/function; This variant is associated with the following publications: (PMID: 31585109)

OMIM
Classification: Pathogenic for AGENESIS OF CORPUS CALLOSUM, CARDIAC, OCULAR, AND GENITAL SYNDROME. Last evaluated: 2020-06-26. Review status: no assertion criteria provided. Collection method: literature only. Allele origin: germline. Not counted in ClinVar's aggregate classification.

Core Molecular Diagnostic Lab, McGill University Health Centre
Classification: Pathogenic for Agenesis of corpus callosum; Axon pathfinding, cardiac, ocular and genital defects. Last evaluated: 2019-09-04. Review status: no assertion criteria provided. Criteria: ACMG Guidelines, 2015. Collection method: research. Allele origin: de novo. Affected: yes. Not counted in ClinVar's aggregate classification.

University of Washington Center for Mendelian Genomics, University of Washington
Classification: Likely pathogenic for Syndromic neurodevelopmental disorder. Review status: no assertion criteria provided. Collection method: research. Allele origin: de novo. Affected: yes. Not counted in ClinVar's aggregate classification.

Literature cited by the submitters: PubMed 31585109 (cited by 3 submitters).

NM_001792.5(CDH2):c.2027A>G (p.Tyr676Cys)

Gene: CDH2 (cadherin 2; minus strand). Cytogenetic location: 18q12.1.
Variant type: single nucleotide variant.
Coding change: c.2027A>G on transcript NM_001792.5 (MANE Select); coding-DNA position 2027, A replaced by G.
Protein change: p.Tyr676Cys; replaces tyrosine 676 with cysteine.
Molecular consequence: missense variant.
Genome position (GRCh38, 1-based): chr18:27,985,182, T>C on the plus strand (A>G on the coding strand, the complement: CDH2 is on the minus strand). VCF-style: chr18-27985182-T-C. GRCh37 (hg19) VCF-style: chr18-25565146-T-C.
Other names: c.1934A>G, p.Tyr645Cys (NM_001308176.2); c.2027A>G (NM_001792.4); short protein forms Y645C, Y676C.
Identifiers: ClinVar variation 804251 (VCV000804251.11), dbSNP rs199984052, ClinGen allele CA402107023.
Genomic context (GRCh38, chr18:27,985,182, plus strand): 5'-AGGATGGAAATATTTGATTTGGGAGGATTACCCGAATCTGTGATTATGATGGGAACTTCA[T>C]AGATACCAGCTTCAAGAAATTTTATCTTTAAATTAAGCTGAGCAAAATCACCTATATGAA-3'
Protein context (NP_001783.2, residues 666-686): LKIKFLEAGI[Tyr676Cys]EVPIIITDSG